The following is an entry in ClinVar:

ClinVar aggregate classification (germline): Uncertain significance (1 of 4 stars; one submission).

Conditions:
Hereditary cancer-predisposing syndrome. Also called: Hereditary Cancer Syndrome; Hereditary neoplastic syndrome; Tumor predisposition; Neoplastic Syndromes, Hereditary. Identifiers: Orphanet 140162, MedGen C0027672, MeSH D009386, MONDO:0015356.

Submission:

Ambry Genetics
Classification: Uncertain significance for Hereditary cancer-predisposing syndrome. Last evaluated: 2024-08-10. Review status: criteria provided, single submitter. Criteria: Ambry Variant Classification Scheme 2023. Collection method: clinical testing. Allele origin: germline.
Comment: The p.Q162L variant (also known as c.485A>T), located in coding exon 1 of the GREM1 gene, results from an A to T substitution at nucleotide position 485. The glutamine at codon 162 is replaced by leucine, an amino acid with dissimilar properties. This amino acid position is conserved. In addition, this alteration is predicted to be tolerated by in silico analysis. Based on the available evidence, the clinical significance of this variant remains unclear.

NM_013372.7(GREM1):c.485A>T (p.Gln162Leu)

Gene: GREM1 (gremlin 1, DAN family BMP antagonist; plus strand). Cytogenetic location: 15q13.3.
Variant type: single nucleotide variant.
Coding change: c.485A>T on transcript NM_013372.7 (MANE Select); coding-DNA position 485, A replaced by T.
Protein change: p.Gln162Leu; replaces glutamine 162 with leucine.
Molecular consequence: missense variant.
Genome position (GRCh38, 1-based): chr15:32,731,175, A>T. VCF-style: chr15-32731175-A-T. GRCh37 (hg19) VCF-style: chr15-33023376-A-T.
Other names: c.275A>T, p.Gln92Leu (NM_001191322.2); c.362A>T, p.Gln121Leu (NM_001191323.2); c.485A>T, p.Gln162Leu (NM_001368719.1); short protein forms Q162L, Q92L, Q121L.
Identifiers: ClinVar variation 3522509 (VCV003522509.1).